The following is an entry in ClinVar:

NM_004385.5(VCAN):c.9593G>A (p.Arg3198His)

Genes: VCAN (versican; plus strand), VCAN-AS1 (VCAN antisense RNA 1; minus strand). Cytogenetic location: 5q14.3.
Variant type: single nucleotide variant.
Coding change: c.9593G>A on transcript NM_004385.5 (MANE Select); coding-DNA position 9593, G replaced by A.
Protein change: p.Arg3198His; replaces arginine 3198 with histidine.
Molecular consequence: missense variant.
Genome position (GRCh38, 1-based): chr5:83,553,463, G>A. VCF-style: chr5-83553463-G-A. GRCh37 (hg19) VCF-style: chr5-82849282-G-A.
Other names: c.9593G>A (NM_004385.4); c.1370G>A, p.Arg457His (NM_001126336.3); c.6632G>A, p.Arg2211His (NM_001164097.2); c.4331G>A, p.Arg1444His (NM_001164098.2); short protein forms R3198H, R457H, R1444H, R2211H.
Identifiers: ClinVar variation 1438174 (VCV001438174.7), dbSNP rs533779960, ClinGen allele CA3334046.

ClinVar aggregate classification (germline): Uncertain significance. Review status: criteria provided, multiple submitters, no conflicts (2 of 4 stars). 2 submissions from 2 submitters: Uncertain significance (2). Last evaluated 2025-04-03.

Conditions:
Inborn genetic diseases. Identifiers: MedGen C0950123, MeSH D030342.

Allele frequency attached by ClinVar (database versions not stated): ExAC 0.00001; gnomAD 0.00002 and 0.00003; TOPMed 0.00002; gnomAD exomes 0.00003; 1000 Genomes Project 30x 0.00016; 1000 Genomes Project 0.00020.
gnomAD v4.1: 43 of 1,614,062 alleles (0.0027%); highest among the groups gnomAD compares: Admixed American, 0.0033%; no homozygotes.

Submissions (2):

Ambry Genetics
Classification: Uncertain significance for Inborn genetic diseases. Last evaluated: 2025-04-03. Review status: criteria provided, single submitter. Criteria: Ambry Variant Classification Scheme 2023. Collection method: clinical testing. Allele origin: germline.

Labcorp Genetics (formerly Invitae), Labcorp
Classification: Uncertain significance. Last evaluated: 2024-01-21. Review status: criteria provided, single submitter. Criteria: Invitae Variant Classification Sherloc (09022015). Collection method: clinical testing. Allele origin: germline.
Comment: This sequence change replaces arginine, which is basic and polar, with histidine, which is basic and polar, at codon 3198 of the VCAN protein (p.Arg3198His). This variant is present in population databases (rs533779960, gnomAD 0.02%). This variant has not been reported in the literature in individuals affected with VCAN-related conditions. ClinVar contains an entry for this variant (Variation ID: 1438174). An algorithm developed to predict the effect of missense changes on protein structure and function (PolyPhen-2) suggests that this variant is likely to be disruptive. In summary, the available evidence is currently insufficient to determine the role of this variant in disease. Therefore, it has been classified as a Variant of Uncertain Significance.